The following is an entry in ClinVar:

NM_018297.4(NGLY1):c.823G>A (p.Ala275Thr)

Gene: NGLY1 (N-glycanase 1; minus strand). Cytogenetic location: 3p24.2.
Variant type: single nucleotide variant.
Coding change: c.823G>A on transcript NM_018297.4 (MANE Select); coding-DNA position 823, G replaced by A.
Protein change: p.Ala275Thr; replaces alanine 275 with threonine.
Molecular consequence: missense variant.
Genome position (GRCh38, 1-based): chr3:25,739,635, C>T on the plus strand (G>A on the coding strand, the complement: NGLY1 is on the minus strand). VCF-style: chr3-25739635-C-T. GRCh37 (hg19) VCF-style: chr3-25781126-C-T.
Other names: c.823G>A, p.Ala275Thr (NM_001145295.2, NM_001145293.2); c.697G>A, p.Ala233Thr (NM_001145294.2); short protein forms A233T, A275T.
Identifiers: ClinVar variation 1024415 (VCV001024415.2), dbSNP rs752711308, ClinGen allele CA2289375.
Genomic context (GRCh38, chr3:25,739,635, plus strand): 5'-ACCTTGGGAATCGATTGCTGAACTGGCAGGCATCACAGTAATGATCTTCCACTTCCTTTG[C>T]ACCCCACTTCAGCTCATCATCACTGGGCAGTAATGATCTATCTCTAGACCTAGTCTGTCC-3'
Protein context (NP_060767.2, residues 265-285): LPSDDELKWG[Ala275Thr]KEVEDHYCDA

ClinVar aggregate classification (germline): Uncertain significance (1 of 4 stars; one submission).

Conditions:
Congenital disorder of deglycosylation (CDDG). Identifiers: MedGen C3808991, MONDO:0031376.

Allele frequency attached by ClinVar (database versions not stated): gnomAD 0.00001; gnomAD exomes 0.00001 and 0.00003; TOPMed 0.00002; ExAC 0.00004.
gnomAD v4.1: 9 of 1,613,998 alleles (0.00056%); highest among the groups gnomAD compares: Admixed American, 0.005%; no homozygotes.

Submission:

Labcorp Genetics (formerly Invitae), Labcorp
Classification: Uncertain significance for Congenital disorder of deglycosylation. Last evaluated: 2022-06-29. Review status: criteria provided, single submitter. Criteria: Invitae Variant Classification Sherloc (09022015). Collection method: clinical testing. Allele origin: germline.
Comment: This sequence change replaces alanine, which is neutral and non-polar, with threonine, which is neutral and polar, at codon 275 of the NGLY1 protein (p.Ala275Thr). This variant is present in population databases (rs752711308, gnomAD 0.006%). This variant has not been reported in the literature in individuals affected with NGLY1-related conditions. ClinVar contains an entry for this variant (Variation ID: 1024415). Algorithms developed to predict the effect of missense changes on protein structure and function are either unavailable or do not agree on the potential impact of this missense change (SIFT: "Tolerated"; PolyPhen-2: "Probably Damaging"; Align-GVGD: "Class C0"). In summary, the available evidence is currently insufficient to determine the role of this variant in disease. Therefore, it has been classified as a Variant of Uncertain Significance.